The following is an entry in ClinVar:

ClinVar aggregate classification (germline): Uncertain significance (1 of 4 stars; one submission).

gnomAD v4.1: 1 of 1,614,170 alleles (0.000062%); highest among the groups gnomAD compares: Non-Finnish European, 0.000085%; no homozygotes.

Submission:

GeneDx
Classification: Uncertain significance. Last evaluated: 2024-01-13. Review status: criteria provided, single submitter. Criteria: GeneDx Variant Classification Process June 2021. Collection method: clinical testing. Allele origin: germline. Affected: yes.
Comment: Not observed at significant frequency in large population cohorts (gnomAD); In silico analysis supports that this missense variant does not alter protein structure/function; Has not been previously published as pathogenic or benign to our knowledge

NM_130839.5(UBE3A):c.1240A>G (p.Arg414Gly)

Genes: SNHG14 (small nucleolar RNA host gene 14; plus strand), UBE3A (ubiquitin protein ligase E3A; minus strand). Cytogenetic location: 15q11.2.
Variant type: single nucleotide variant.
Coding change: c.1240A>G on transcript NM_130839.5 (MANE Select); coding-DNA position 1240, A replaced by G.
Protein change: p.Arg414Gly; replaces arginine 414 with glycine.
Molecular consequence: missense variant. On other transcripts: non-coding transcript variant (1), intron variant (2).
Genome position (GRCh38, 1-based): chr15:25,370,934, T>C on the plus strand (A>G on the coding strand, the complement: UBE3A is on the minus strand). VCF-style: chr15-25370934-T-C. GRCh37 (hg19) VCF-style: chr15-25616081-T-C.
Other names: c.1249A>G, p.Arg417Gly (NM_000462.5); c.1240A>G, p.Arg414Gly (NM_001354505.1, NM_001354538.2, NM_001354545.2); c.1180A>G, p.Arg394Gly (NM_001354506.2, NM_001354507.2, NM_001354508.2 and 17 more transcripts); c.1063A>G, p.Arg355Gly (NM_001354546.2); c.301+4531A>G (NM_001354551.2); c.361+4531A>G (NM_001354550.2); short protein forms R355G, R394G, R414G, R417G.
Identifiers: ClinVar variation 3367863 (VCV003367863.1).